The following continues an entry in ClinVar:

NM_000492.4(CFTR):c.3205G>A (p.Gly1069Arg)

ClinVar aggregate classification (germline): Conflicting classifications of pathogenicity. Pathogenic (3); Likely pathogenic (12); Uncertain significance (9).

Submissions 16 to 27 of 27:

3billion
Classification: Likely pathogenic for Cystic fibrosis. Last evaluated: 2023-06-22. Review status: criteria provided, single submitter. Criteria: ACMG Guidelines, 2015. Collection method: clinical testing. Allele origin: germline. Affected: yes.
Comment: The variant is observed at an extremely low frequency in the gnomAD v2.1.1 dataset (total allele frequency: 0.027%). Predicted Consequence/Location: Missense variant Functional studies provide supporting evidence of the variant having a damaging effect on the gene or gene product (PMID: 8662892). In silico tool predictions suggest damaging effect of the variant on gene or gene product (REVEL: 0.60; 3Cnet: 0.98). Same nucleotide change resulting in same amino acid change has been previously reported to be associated with CFTR related disorder (ClinVar ID: VCV000053684 /PMID: 7512860). The variant has been reported to be in trans with a pathogenic variant as either compound heterozygous or homozygous in at least 2 similarly affected unrelated individuals (PMID: 11729110, 23951356). Therefore, this variant is classified as Likely pathogenic according to the recommendation of ACMG/AMP guideline.

Department of Pathology and Laboratory Medicine, Sinai Health System
Classification: Likely pathogenic for cystic fibrosis. Last evaluated: 2023-02-06. Review status: criteria provided, single submitter. Criteria: ACMG Guidelines, 2015. Collection method: research. Allele origin: germline.

Institute of Human Genetics, University of Leipzig Medical Center
Classification: Uncertain significance for Hereditary pancreatitis. Last evaluated: 2022-04-05. Review status: criteria provided, single submitter. Criteria: ACMG Guidelines, 2015. Collection method: clinical testing. Allele origin: unknown. Affected: yes.

Johns Hopkins Genomics, Johns Hopkins University
Classification: Likely pathogenic for Cystic fibrosis. Last evaluated: 2020-02-10. Review status: criteria provided, single submitter. Criteria: ACMG Guidelines, 2015. Collection method: clinical testing. Allele origin: germline.
Comment: CFTR variant associated with variable clinical consequences. See CFTR2 for phenotype information.

Illumina Laboratory Services, Illumina
Classification: Uncertain significance for CFTR-Related Disorders. Last evaluated: 2017-04-28. Review status: criteria provided, single submitter. Criteria: ICSL Variant Classification Criteria 13 December 2019. Collection method: clinical testing. Allele origin: germline.
Comment: This variant was observed as part of a predisposition screen in an ostensibly healthy population. A literature search was performed for the gene, cDNA change, and amino acid change (where applicable). Publications were found based on this search. However, the evidence from the literature, in combination with allele frequency data from public databases where available, was not sufficient to rule this variant in or out of causing disease. Therefore, this variant is classified as a variant of unknown significance.

Eurofins Ntd Llc (ga)
Classification: Uncertain significance. Last evaluated: 2016-04-12. Review status: criteria provided, single submitter. Criteria: EGL Classification Definitions 2015. Collection method: clinical testing. Allele origin: germline. Observed: 3 variant alleles, 3 heterozygotes.

CFTR-France
Classification: Pathogenic for CFTR-related disorders. Last evaluated: 2015-07-03. Review status: criteria provided, single submitter. Criteria: Claustres M et al. (Hum Mutat 2017). Collection method: curation. Allele origin: germline. Affected: yes.

Clinical Genetics Service, Universitary Hospital 12 de Octubre
Classification: Likely pathogenic for Cystic fibrosis. Review status: criteria provided, single submitter. Criteria: ACMG Guidelines, 2015. Collection method: clinical testing. Allele origin: maternal. Affected: yes.

Juno Genomics, Hangzhou Juno Genomics, Inc
Classification: Pathogenic for Congenital bilateral aplasia of vas deferens from CFTR mutation; Cystic fibrosis. Review status: criteria provided, single submitter. Criteria: ACMG Guidelines, 2015. Collection method: clinical testing. Allele origin: germline. Affected: yes.
Comment: For recessive disorders, detected in trans with a pathogenic variant.;Patient's phenotype or family history is highly specific for a disease with a single genetic etiology.;Co-segregation with disease in multiple affected family members in a gene definitively known to cause the disease.;Well-established in vitro or in vivo functional studies supportive of a damaging effect on the gene or gene product.

Baylor Genetics
Classification: Likely pathogenic for Cystic fibrosis. Last evaluated: 2022-02-21. Review status: no assertion criteria provided. Collection method: clinical testing. Allele origin: unknown. Not counted in ClinVar's aggregate classification.

Genome Diagnostics Laboratory, The Hospital for Sick Children
Classification: Likely pathogenic for CFTR-related disorders. Last evaluated: 2020-07-30. Review status: no assertion criteria provided. Collection method: clinical testing. Allele origin: germline. Not counted in ClinVar's aggregate classification.

Counsyl
Classification: Uncertain significance for Cystic fibrosis. Last evaluated: 2017-11-22. Review status: no assertion criteria provided. Collection method: clinical testing. Allele origin: unknown. Not counted in ClinVar's aggregate classification.

Literature cited by the submitters: PubMed 7512860 (cited by 8 submitters); PubMed 9099843 (cited by Genome Diagnostics Laboratory, The Hospital for Sick Children and Illumina Laboratory Services, Illumina); PubMed 15772171 (cited by 4 submitters); PubMed 17003641 (cited by 5 submitters); PubMed 17329263 (cited by 6 submitters); PubMed 29997923 (cited by 4 submitters); PubMed 8662892 (cited by 8 submitters); PubMed 17539902 (cited by Women's Health and Genetics/Laboratory Corporation of America, LabCorp); PubMed 9239681 (cited by Women's Health and Genetics/Laboratory Corporation of America, LabCorp and Labcorp Genetics (formerly Invitae), Labcorp); PubMed 10923036 (cited by Women's Health and Genetics/Laboratory Corporation of America, LabCorp); PubMed 10980579 (cited by 3 submitters); PubMed 17718859 (cited by Women's Health and Genetics/Laboratory Corporation of America, LabCorp and Quest Diagnostics Nichols Institute San Juan Capistrano); PubMed 11729110 (cited by 5 submitters); PubMed 20460946 (cited by 3 submitters); PubMed 8528204 (cited by 5 submitters); PubMed 23974870 (cited by 6 submitters); PubMed 23951356 (cited by 7 submitters); PubMed 22210114 (cited by 3 submitters); PubMed 25963003 (cited by Women's Health and Genetics/Laboratory Corporation of America, LabCorp); PubMed 25869325 (cited by 5 submitters); PubMed 25910067 (cited by 4 submitters); PubMed 27264265 (cited by Women's Health and Genetics/Laboratory Corporation of America, LabCorp); PubMed 28544683 (cited by Women's Health and Genetics/Laboratory Corporation of America, LabCorp and Quest Diagnostics Nichols Institute San Juan Capistrano); PubMed 28502372 (cited by Women's Health and Genetics/Laboratory Corporation of America, LabCorp and Quest Diagnostics Nichols Institute San Juan Capistrano); PubMed 18305154 (cited by 3 submitters); PubMed 30232781 (cited by 3 submitters); PubMed 25033378 (cited by 4 submitters); PubMed 29589582 (cited by Women's Health and Genetics/Laboratory Corporation of America, LabCorp); PubMed 31245908 (cited by 4 submitters); PubMed 32150665 (cited by Women's Health and Genetics/Laboratory Corporation of America, LabCorp and Quest Diagnostics Nichols Institute San Juan Capistrano); PubMed 32777524 (cited by Women's Health and Genetics/Laboratory Corporation of America, LabCorp and Quest Diagnostics Nichols Institute San Juan Capistrano); PubMed 34782259 (cited by Women's Health and Genetics/Laboratory Corporation of America, LabCorp and Quest Diagnostics Nichols Institute San Juan Capistrano); PubMed 34814176 (cited by Women's Health and Genetics/Laboratory Corporation of America, LabCorp and Natera, Inc.); PubMed 35697137 (cited by Women's Health and Genetics/Laboratory Corporation of America, LabCorp); PubMed 38388235 (cited by 3 submitters); PubMed 38493004 (cited by Women's Health and Genetics/Laboratory Corporation of America, LabCorp and Quest Diagnostics Nichols Institute San Juan Capistrano); PubMed 39296431 (cited by Women's Health and Genetics/Laboratory Corporation of America, LabCorp); PubMed 11430710 (cited by Women's Health and Genetics/Laboratory Corporation of America, LabCorp and Counsyl); PubMed 35171259 (cited by Quest Diagnostics Nichols Institute San Juan Capistrano); PubMed 36567205 (cited by Quest Diagnostics Nichols Institute San Juan Capistrano); PubMed 34996830 (cited by Quest Diagnostics Nichols Institute San Juan Capistrano); PubMed 25087612 (cited by 3 submitters); PubMed 12007216 (cited by Quest Diagnostics Nichols Institute San Juan Capistrano); PubMed 18687795 (cited by Quest Diagnostics Nichols Institute San Juan Capistrano); PubMed 16049310 (cited by Quest Diagnostics Nichols Institute San Juan Capistrano); PubMed 7529319 (cited by Quest Diagnostics Nichols Institute San Juan Capistrano); PubMed 15758663 (cited by Quest Diagnostics Nichols Institute San Juan Capistrano); PubMed 16126774 (cited by Quest Diagnostics Nichols Institute San Juan Capistrano); PubMed 23055971 (cited by Quest Diagnostics Nichols Institute San Juan Capistrano); PubMed 24058550 (cited by Quest Diagnostics Nichols Institute San Juan Capistrano); PubMed 25287046 (cited by Quest Diagnostics Nichols Institute San Juan Capistrano); PubMed 8702904 (cited by Quest Diagnostics Nichols Institute San Juan Capistrano and Johns Hopkins Genomics, Johns Hopkins University); PubMed 26493493 (cited by Ambry Genetics); PubMed 27469177 (cited by Ambry Genetics); PubMed 29727070 (cited by Ambry Genetics); PubMed 30420730 (cited by Ambry Genetics and Baylor Genetics); PubMed 12658038 (cited by Johns Hopkins Genomics, Johns Hopkins University).